The following is an entry in ClinVar:

NM_001112741.2(KCNC1):c.859C>A (p.Leu287Met)

Gene: KCNC1 (potassium voltage-gated channel subfamily C member 1; plus strand). Cytogenetic location: 11p15.1.
Variant type: single nucleotide variant.
Coding change: c.859C>A on transcript NM_001112741.2 (MANE Select); coding-DNA position 859, C replaced by A.
Protein change: p.Leu287Met; replaces leucine 287 with methionine.
Molecular consequence: missense variant.
Genome position (GRCh38, 1-based): chr11:17,771,953, C>A. VCF-style: chr11-17771953-C-A. GRCh37 (hg19) VCF-style: chr11-17793500-C-A.
Other names: c.859C>A, p.Leu287Met (NM_004976.4); short protein forms L287M.
Identifiers: ClinVar variation 1035028 (VCV001035028.9), dbSNP rs1849234887, ClinGen allele CA379806871.

ClinVar aggregate classification (germline): Uncertain significance (1 of 4 stars; one submission).

Conditions:
Progressive myoclonic epilepsy type 7. Identifiers: Orphanet 435438, MedGen C4015420, MONDO:0014521, OMIM 616187.

Submission:

Labcorp Genetics (formerly Invitae), Labcorp
Classification: Uncertain significance for Progressive myoclonic epilepsy type 7. Last evaluated: 2024-05-24. Review status: criteria provided, single submitter. Criteria: Invitae Variant Classification Sherloc (09022015). Collection method: clinical testing. Allele origin: germline.
Comment: This sequence change replaces leucine, which is neutral and non-polar, with methionine, which is neutral and non-polar, at codon 287 of the KCNC1 protein (p.Leu287Met). This variant is not present in population databases (gnomAD no frequency). This variant has not been reported in the literature in individuals affected with KCNC1-related conditions. ClinVar contains an entry for this variant (Variation ID: 1035028). Advanced modeling of protein sequence and biophysical properties (such as structural, functional, and spatial information, amino acid conservation, physicochemical variation, residue mobility, and thermodynamic stability) performed at Invitae indicates that this missense variant is not expected to disrupt KCNC1 protein function with a negative predictive value of 80%. In summary, the available evidence is currently insufficient to determine the role of this variant in disease. Therefore, it has been classified as a Variant of Uncertain Significance.